The following is an entry in ClinVar:

NM_172107.4(KCNQ2):c.1624G>A (p.Ala542Thr)

Gene: KCNQ2 (potassium voltage-gated channel subfamily Q member 2; minus strand). Cytogenetic location: 20q13.33.
Variant type: single nucleotide variant.
Coding change: c.1624G>A on transcript NM_172107.4 (MANE Select); coding-DNA position 1624, G replaced by A.
Protein change: p.Ala542Thr; replaces alanine 542 with threonine.
Molecular consequence: missense variant.
Genome position (GRCh38, 1-based): chr20:63,414,095, C>T on the plus strand (G>A on the coding strand, the complement: KCNQ2 is on the minus strand). VCF-style: chr20-63414095-C-T. GRCh37 (hg19) VCF-style: chr20-62045448-C-T.
Other names: c.1570G>A, p.Ala524Thr (NM_001382235.1, NM_172106.3); c.1540G>A, p.Ala514Thr (NM_004518.6); c.1531G>A, p.Ala511Thr (NM_172108.5); short protein forms A511T, A542T, A514T, A524T.
Identifiers: ClinVar variation 2695415 (VCV002695415.3), dbSNP rs2516175649, ClinGen allele CA409645141.

ClinVar aggregate classification (germline): Uncertain significance (1 of 4 stars; one submission).

Conditions:
Early-infantile DEE. Also called: Ohtahara syndrome; Early infantile epileptic encephalopathy with suppression bursts; Early infantile epileptic encephalopathy. Identifiers: Orphanet 1934, MedGen C0393706, MONDO:0800491.

Submission:

Labcorp Genetics (formerly Invitae), Labcorp
Classification: Uncertain significance for Early-infantile DEE. Last evaluated: 2024-10-23. Review status: criteria provided, single submitter. Criteria: Invitae Variant Classification Sherloc (09022015). Collection method: clinical testing. Allele origin: germline.
Comment: This sequence change replaces alanine, which is neutral and non-polar, with threonine, which is neutral and polar, at codon 542 of the KCNQ2 protein (p.Ala542Thr). This variant is not present in population databases (gnomAD no frequency). This variant has not been reported in the literature in individuals affected with KCNQ2-related conditions. Invitae Evidence Modeling of protein sequence and biophysical properties (such as structural, functional, and spatial information, amino acid conservation, physicochemical variation, residue mobility, and thermodynamic stability) indicates that this missense variant is expected to disrupt KCNQ2 protein function with a positive predictive value of 95%. In summary, the available evidence is currently insufficient to determine the role of this variant in disease. Therefore, it has been classified as a Variant of Uncertain Significance.